The following is an entry in ClinVar:

NM_000702.4(ATP1A2):c.2841-20dup

Gene: ATP1A2 (ATPase Na+/K+ transporting subunit alpha 2; plus strand). Cytogenetic location: 1q23.2.
Variant type: Duplication.
Coding change: c.2841-20dup on transcript NM_000702.4 (MANE Select); 20 bases into the intron before coding-DNA position 2841, one base duplicated (C; older notation c.2841-20dupC).
Molecular consequence: intron variant.
Genome position (GRCh38, 1-based): chr1:160,139,620, C duplicated; the last of 2 consecutive C bases (chr1:160,139,619-160,139,620); duplicating either gives the same sequence. VCF-style (leftmost placement, unchanged base first): chr1-160139618-A-AC. GRCh37 (hg19) VCF-style: chr1-160109408-A-AC.
Other names: c.2841-20dupC (NM_000702.3).
Identifiers: ClinVar variation 204875 (VCV000204875.8), dbSNP rs397775888, ClinGen allele CA313254.

ClinVar aggregate classification (germline): Benign. Review status: criteria provided, multiple submitters, no conflicts (2 of 4 stars). 8 submissions from 4 submitters: Benign (7). 1 of the submissions does not count toward it. Last evaluated 2024-07-15.

Conditions:
Developmental and epileptic encephalopathy 98. Identifiers: MedGen C5562017, MONDO:0030472, OMIM 619605.
Fetal akinesia, respiratory insufficiency, microcephaly, polymicrogyria, and dysmorphic facies. Identifiers: MedGen C5562015, MONDO:0859204, OMIM 619602.
Migraine, familial hemiplegic, 2. Identifiers: Orphanet 569, MedGen C1865322, MONDO:0011232, OMIM 602481.
Alternating hemiplegia of childhood 1 (AHC1). Identifiers: Orphanet 2131, MedGen C3549447, MONDO:0007087, OMIM 104290.

Submissions (8):

Unidad de Genómica Garrahan, Hospital de Pediatría Garrahan
Classification: Benign. Last evaluated: 2024-07-15. Review status: criteria provided, single submitter. Criteria: ACMG Guidelines, 2015. Collection method: clinical testing. Allele origin: germline. Affected: no. Observed: 23 variant alleles.
Comment: This variant is classified as Benign based on local population frequency. This variant was detected in 25% of patients studied in a panel designed for Epileptic and Developmental Encephalopathy and Progressive Myoclonus Epilepsy. Number of patients: 23. Only high quality variants are reported.

Genome-Nilou Lab
Classification: Benign for Alternating hemiplegia of childhood 1. Last evaluated: 2021-12-05. Review status: criteria provided, single submitter. Criteria: ACMG Guidelines, 2015. Collection method: clinical testing. Allele origin: germline. Affected: no.

Genome-Nilou Lab
Classification: Benign for Developmental and epileptic encephalopathy 98. Last evaluated: 2021-12-05. Review status: criteria provided, single submitter. Criteria: ACMG Guidelines, 2015. Collection method: clinical testing. Allele origin: germline. Affected: no.

Genome-Nilou Lab
Classification: Benign for Fetal akinesia, respiratory insufficiency, microcephaly, polymicrogyria, and dysmorphic facies. Last evaluated: 2021-12-05. Review status: criteria provided, single submitter. Criteria: ACMG Guidelines, 2015. Collection method: clinical testing. Allele origin: germline. Affected: no.

Genome-Nilou Lab
Classification: Benign for Migraine, familial hemiplegic, 2. Last evaluated: 2021-12-05. Review status: criteria provided, single submitter. Criteria: ACMG Guidelines, 2015. Collection method: clinical testing. Allele origin: germline. Affected: no.

GeneDx
Classification: Benign. Last evaluated: 2018-06-29. Review status: criteria provided, single submitter. Criteria: GeneDx Variant Classification Process June 2021. Collection method: clinical testing. Allele origin: germline. Affected: yes.

PreventionGenetics, part of Exact Sciences
Classification: Benign. Review status: criteria provided, single submitter. Criteria: ACMG Guidelines, 2015. Collection method: clinical testing. Allele origin: germline.

GeneDx
Classification: Benign. Last evaluated: 2013-01-22. Review status: flagged submission. Criteria: GeneDx Variant Classification (06012015). Collection method: clinical testing. Allele origin: germline. Affected: yes. Not counted in ClinVar's aggregate classification.
Comment: The variant is found in EPILEPSY panel(s).
ClinVar note: Reason: This record appears to be redundant with a more recent record from the same submitter.
ClinVar note: Notes: SCV000240344 appears to be redundant with SCV001843527.